The following is an entry in ClinVar:

NM_000018.4(ACADVL):c.1808del (p.Cys603fs)

Gene: ACADVL (acyl-CoA dehydrogenase very long chain; plus strand). Cytogenetic location: 17p13.1.
Variant type: Deletion.
Coding change: c.1808del on transcript NM_000018.4 (MANE Select); coding-DNA position 1808, one base deleted (G; older notation c.1808delG).
Protein change: p.Cys603fs; shifts the reading frame from cysteine 603.
Molecular consequence: frameshift variant.
Genome position (GRCh38, 1-based): chr17:7,224,865, G deleted. VCF-style (leftmost placement, unchanged base first): chr17-7224864-TG-T. GRCh37 (hg19) VCF-style: chr17-7128183-TG-T.
Other names: NM_000018.4(ACADVL):c.1808del; p.Cys603fs; c.1742del, p.Cys581fs (NM_001033859.3); c.1877del, p.Cys626fs (NM_001270447.2); c.1580del, p.Cys527fs (NM_001270448.2); short protein forms C527fs, C581fs, C603fs, C626fs.
Identifiers: ClinVar variation 1075156 (VCV001075156.10), dbSNP rs2142990894, ClinGen allele CA2499224908.

ClinVar aggregate classification (germline): Uncertain significance. Review status: reviewed by expert panel (3 of 4 stars). 3 submissions from 3 submitters: Uncertain significance (1). 2 of the submissions do not count toward it. Last evaluated 2022-12-14.

Conditions:
Very long chain acyl-CoA dehydrogenase deficiency (ACADVLD). Also called: Very Long-Chain Acyl-Coenzyme A Dehydrogenase Deficiency; VLCAD Deficiency. Identifiers: Orphanet 26793, MedGen C3887523, MONDO:0008723, OMIM 201475.

Submissions (3):

ClinGen ACADVL Variant Curation Expert Panel, ClinGen
Classification: Uncertain significance for Very long chain acyl-CoA dehydrogenase deficiency. Last evaluated: 2022-12-14. Review status: reviewed by expert panel. Criteria: clingen acadvl acmg specifications v1. Collection method: curation. Allele origin: germline. Inheritance: Autosomal recessive inheritance.
Comment: The c.1808del (p.Cys603fs) variant in ACADVL, also known as p.Cys603LeufsTer77, is a frameshift variant that may cause loss of function of the protein; however it is predicted to escape nonsense mediated decay and remove <10% of the protein (PVS1_Moderate). This variant is absent from gnomAD v2.1.1 (PM2_Supporting). Due to limited evidence, this variant is classified as a variant of uncertain significance for autosomal recessive very long chain acyl-CoA dehydrogenase (VLCAD) deficiency based on the ACMG/AMP criteria applied, as specified by the ClinGen ACADVL Variant Curation Expert Panel: PVS1_Moderate, PM2_Supporting (ACADVL VCEP specifications version 1; approved November 8, 2021).

Labcorp Genetics (formerly Invitae), Labcorp
Classification: Pathogenic for Very long chain acyl-CoA dehydrogenase deficiency. Last evaluated: 2026-01-30. Review status: criteria provided, single submitter. Criteria: Invitae Variant Classification Sherloc (09022015). Collection method: clinical testing. Allele origin: germline. Not counted in ClinVar's aggregate classification.
Comment: This sequence change is expected to alter the c-terminus of the ACADVL protein (p.Cys603Leufs*77). While this is not anticipated to result in nonsense mediated decay, it is expected to disrupt the last 53 amino acid(s) of the ACADVL protein and extend the protein by 23 additional amino acid residues. This variant is not present in population databases (gnomAD no frequency). This variant has not been reported in the literature in individuals affected with ACADVL-related conditions. ClinVar contains an entry for this variant (Variation ID: 1075156). This variant results in an extension of the ACADVL protein. Other variant(s) that result in a similarly extended protein product (p.Gln628Lysfs*52) have been determined to be pathogenic (internal data). This suggests that these extensions are likely to be disease-causing. For these reasons, this variant has been classified as Pathogenic.

Baylor Genetics
Classification: Likely pathogenic for Very long chain acyl-CoA dehydrogenase deficiency. Last evaluated: 2023-04-18. Review status: criteria provided, single submitter. Criteria: ACMG Guidelines, 2015. Collection method: clinical testing. Allele origin: unknown. Not counted in ClinVar's aggregate classification.